The following is an entry in ClinVar:

ClinVar aggregate classification (germline): Likely benign. Review status: criteria provided, multiple submitters, no conflicts (2 of 4 stars). 3 submissions from 3 submitters: Likely benign (3). Last evaluated 2026-08-10.

Conditions:
Cardiovascular phenotype. Identifiers: MedGen CN230736.
Autosomal recessive limb-girdle muscular dystrophy type 2J (LGMDR10). Also called: Limb-girdle muscular dystrophy, type 2J; MUSCULAR DYSTROPHY, LIMB-GIRDLE, AUTOSOMAL RECESSIVE 10. Identifiers: Orphanet 140922, MedGen C1837342, MONDO:0012127, OMIM 608807.
Dilated cardiomyopathy 1G (CMD1G). Identifiers: Orphanet 154, MedGen C1858763, MONDO:0011400, OMIM 604145.

Allele frequency attached by ClinVar (database versions not stated): gnomAD exomes below 0.00001; TOPMed 0.00001.
gnomAD v4.1: 5 of 1,606,932 alleles (0.00031%); highest among the groups gnomAD compares: Non-Finnish European, 0.00042%; no homozygotes.

Submissions (3):

Ambry Genetics
Classification: Likely benign for Cardiovascular phenotype. Last evaluated: 2026-08-10. Review status: criteria provided, single submitter. Criteria: Ambry Variant Classification Scheme 2023. Collection method: clinical testing. Allele origin: germline.

Labcorp Genetics (formerly Invitae), Labcorp
Classification: Likely benign for Dilated cardiomyopathy 1G; Autosomal recessive limb-girdle muscular dystrophy type 2J. Last evaluated: 2025-12-02. Review status: criteria provided, single submitter. Criteria: Invitae Variant Classification Sherloc (09022015). Collection method: clinical testing. Allele origin: germline.

Laboratory for Molecular Medicine, Mass General Brigham Personalized Medicine
Classification: Likely benign. Last evaluated: 2013-10-04. Review status: criteria provided, single submitter. Criteria: LMM Criteria. Collection method: clinical testing. Allele origin: germline. Observed: 1 variant allele.
Comment: Ser23669Ser in exon 275 of TTN: This variant is not expected to have clinical si gnificance because it does not alter an amino acid residue and is not located wi thin the splice consensus sequence. Ser23669Ser in exon 275 of TTN (allele freq uency = n/a)

NM_001267550.2(TTN):c.78711T>A (p.Ser26237=)

Genes: TTN (titin; minus strand), TTN-AS1 (TTN antisense RNA 1; plus strand). Cytogenetic location: 2q31.2.
Variant type: single nucleotide variant.
Coding change: c.78711T>A on transcript NM_001267550.2 (MANE Select); coding-DNA position 78711, T replaced by A.
Protein change: p.Ser26237=; no amino-acid change (serine 26237 retained).
Molecular consequence: synonymous variant.
Genome position (GRCh38, 1-based): chr2:178,567,421, A>T on the plus strand (T>A on the coding strand, the complement: TTN is on the minus strand). VCF-style: chr2-178567421-A-T. GRCh37 (hg19) VCF-style: chr2-179432148-A-T.
Other names: c.71007T>A, p.Ser23669= (NM_133378.4); c.73788T>A, p.Ser24596= (NM_001256850.1); c.51516T>A, p.Ser17172= (NM_003319.4); c.51891T>A, p.Ser17297= (NM_133432.3); c.52092T>A, p.Ser17364= (NM_133437.4).
Identifiers: ClinVar variation 179349 (VCV000179349.14), dbSNP rs727504808, ClinGen allele CA184245.